The following is an entry in ClinVar:

ClinVar aggregate classification (germline): Uncertain significance. Review status: criteria provided, multiple submitters, no conflicts (2 of 4 stars). 3 submissions from 2 submitters: Uncertain significance (3). Last evaluated 2024-10-07.

Conditions:
Cholestasis, intrahepatic, of pregnancy, 3. Identifiers: Orphanet 69665, MedGen C3554241, MONDO:0013995, OMIM 614972.
Progressive familial intrahepatic cholestasis type 3. Also called: MDR3 DEFICIENCY; Low Gamma-GT Familial Intrahepatic Cholestasis. Identifiers: Orphanet 79305, MedGen C1865643, MONDO:0011214, OMIM 602347.

Allele frequency attached by ClinVar (database versions not stated): TOPMed 0.00001; ExAC 0.00002; gnomAD 0.00001; ESP Exome Variant Server 0.00015.
gnomAD v4.1: 6 of 1,613,780 alleles (0.00037%); highest among the groups gnomAD compares: Non-Finnish European, 0.00042%; no homozygotes.

Submissions (3):

Labcorp Genetics (formerly Invitae), Labcorp
Classification: Uncertain significance. Last evaluated: 2024-10-07. Review status: criteria provided, single submitter. Criteria: Invitae Variant Classification Sherloc (09022015). Collection method: clinical testing. Allele origin: germline.
Comment: This sequence change replaces glycine, which is neutral and non-polar, with valine, which is neutral and non-polar, at codon 657 of the ABCB4 protein (p.Gly657Val). This variant is present in population databases (rs367709575, gnomAD 0.002%). This variant has not been reported in the literature in individuals affected with ABCB4-related conditions. ClinVar contains an entry for this variant (Variation ID: 360798). Invitae Evidence Modeling of protein sequence and biophysical properties (such as structural, functional, and spatial information, amino acid conservation, physicochemical variation, residue mobility, and thermodynamic stability) indicates that this missense variant is expected to disrupt ABCB4 protein function with a positive predictive value of 95%. In summary, the available evidence is currently insufficient to determine the role of this variant in disease. Therefore, it has been classified as a Variant of Uncertain Significance.

Illumina Laboratory Services, Illumina
Classification: Uncertain significance for Cholestasis, intrahepatic, of pregnancy, 3. Last evaluated: 2018-01-12. Review status: criteria provided, single submitter. Criteria: ICSL Variant Classification Criteria 13 December 2019. Collection method: clinical testing. Allele origin: germline.

Illumina Laboratory Services, Illumina
Classification: Uncertain significance for Progressive familial intrahepatic cholestasis type 3. Last evaluated: 2018-01-12. Review status: criteria provided, single submitter. Criteria: ICSL Variant Classification Criteria 13 December 2019. Collection method: clinical testing. Allele origin: germline.

NM_000443.4(ABCB4):c.1970G>T (p.Gly657Val)

Gene: ABCB4 (ATP binding cassette subfamily B member 4; minus strand). Cytogenetic location: 7q21.12.
Variant type: single nucleotide variant.
Coding change: c.1970G>T on transcript NM_000443.4 (MANE Select); coding-DNA position 1970, G replaced by T.
Protein change: p.Gly657Val; replaces glycine 657 with valine.
Molecular consequence: missense variant.
Genome position (GRCh38, 1-based): chr7:87,426,844, C>A on the plus strand (G>T on the coding strand, the complement: ABCB4 is on the minus strand). VCF-style: chr7-87426844-C-A. GRCh37 (hg19) VCF-style: chr7-87056160-C-A.
Other names: c.1970G>T, p.Gly657Val (NM_018849.3, NM_018850.3); short protein forms G657V.
Identifiers: ClinVar variation 360798 (VCV000360798.7), dbSNP rs367709575, ClinGen allele CA4327155.